The following is an entry in ClinVar:

NM_177550.5(SLC13A5):c.1157-204T>C

Gene: SLC13A5 (solute carrier family 13 member 5; minus strand). Cytogenetic location: 17p13.1.
Variant type: single nucleotide variant.
Coding change: c.1157-204T>C on transcript NM_177550.5 (MANE Select); 204 bases into the intron before coding-DNA position 1157, T replaced by C.
Molecular consequence: intron variant.
Genome position (GRCh38, 1-based): chr17:6,693,366, A>G on the plus strand (T>C on the coding strand, the complement: SLC13A5 is on the minus strand). VCF-style: chr17-6693366-A-G. GRCh37 (hg19) VCF-style: chr17-6596685-A-G.
Other names: c.1028-204T>C (NM_001284510.2); c.1106-204T>C (NM_001284509.2); c.1157-204T>C (NM_001143838.3).
Identifiers: ClinVar variation 672969 (VCV000672969.1), dbSNP rs117495155, ClinGen allele CA287385701.

ClinVar aggregate classification (germline): Likely benign (1 of 4 stars; one submission).

Allele frequency attached by ClinVar (database versions not stated): 1000 Genomes Project 0.00399; 1000 Genomes Project 30x 0.00437; TOPMed 0.00793; gnomAD 0.01148 and 0.01209; gnomAD exomes 0.01370.
gnomAD v4.1: 6,684 of 516,428 alleles (1.3%); highest among the groups gnomAD compares: Non-Finnish European, 1.6%; 87 homozygotes.

Submission:

GeneDx
Classification: Likely benign. Last evaluated: 2018-06-14. Review status: criteria provided, single submitter. Criteria: GeneDx Variant Classification (06012015). Collection method: clinical testing. Allele origin: germline. Affected: yes.
Comment: This variant is considered likely benign or benign based on one or more of the following criteria: it is a conservative change, it occurs at a poorly conserved position in the protein, it is predicted to be benign by multiple in silico algorithms, and/or has population frequency not consistent with disease.